The following is an entry in ClinVar:

ClinVar aggregate classification (germline): Uncertain significance (0 of 4 stars; one submission).

Conditions:
CSNK2A2-related disorder. Also called: CSNK2A2-related condition.

Submission:

PreventionGenetics, part of Exact Sciences
Classification: Uncertain significance for CSNK2A2-related condition. Last evaluated: 2024-01-29. Review status: no assertion criteria provided. Collection method: clinical testing. Allele origin: germline.
Comment: The CSNK2A2 c.81C>G variant is predicted to result in premature protein termination (p.Tyr27*). To our knowledge, this variant has not been reported in the literature or in a large population database, indicating this variant is rare. Loss of function has not been conclusively established as a mechanism for CSNK2A2-related disorders. At this time, the clinical significance of this variant is uncertain due to the absence of conclusive functional and genetic evidence.

NM_001896.4(CSNK2A2):c.81C>G (p.Tyr27Ter)

Gene: CSNK2A2 (casein kinase 2 alpha 2; minus strand). Cytogenetic location: 16q21.
Variant type: single nucleotide variant.
Coding change: c.81C>G on transcript NM_001896.4 (MANE Select); coding-DNA position 81, C replaced by G.
Protein change: p.Tyr27Ter; replaces tyrosine 27 with a stop codon.
Molecular consequence: nonsense.
Genome position (GRCh38, 1-based): chr16:58,197,656, G>C on the plus strand (C>G on the coding strand, the complement: CSNK2A2 is on the minus strand). VCF-style: chr16-58197656-G-C. GRCh37 (hg19) VCF-style: chr16-58231560-G-C.
Other names: short protein forms Y27*.
Identifiers: ClinVar variation 3036255 (VCV003036255.2), dbSNP rs2543563904, ClinGen allele CA396142921.